The following is an entry in ClinVar:

NM_000302.4(PLOD1):c.3G>A (p.Met1Ile)

Gene: PLOD1 (procollagen-lysine,2-oxoglutarate 5-dioxygenase 1; plus strand). Cytogenetic location: 1p36.22.
Variant type: single nucleotide variant.
Coding change: c.3G>A on transcript NM_000302.4 (MANE Select); coding-DNA position 3, G replaced by A.
Protein change: p.Met1Ile; changes the start codon (methionine 1).
Molecular consequence: missense variant, initiator codon variant.
Genome position (GRCh38, 1-based): chr1:11,934,782, G>A. VCF-style: chr1-11934782-G-A. GRCh37 (hg19) VCF-style: chr1-11994839-G-A.
Other names: c.3G>A, p.Met1Ile (NM_001316320.2); short protein forms M1I.
Identifiers: ClinVar variation 3667487 (VCV003667487.3).
Genomic context (GRCh38, chr1:11,934,782, plus strand): 5'-GAAGTTTCCAGCCCTGCGAGCGCCGCCGGGTCGGCCGATCGTCCCCCATACCTCGGCCAT[G>A]CGGCCCCTGCTGCTACTGGCCCTGCTGGGCTGGCTGCTGCTGGCCGAAGCGAAGGGCGAC-3'
Protein context (NP_000293.2, residues 1-11): [Met1Ile]RPLLLLALLG

ClinVar aggregate classification (germline): Pathogenic (1 of 4 stars; one submission).

Conditions:
Ehlers-Danlos syndrome, kyphoscoliotic type 1 (EDSKSCL1). Also called: EHLERS-DANLOS SYNDROME, TYPE VIA; Ehlers-Danlos syndrome, hydroxylysine-deficient; EHLERS-DANLOS SYNDROME, OCULAR-SCOLIOTIC TYPE; PLOD1-Related Kyphoscoliotic Ehlers-Danlos Syndrome. Identifiers: Orphanet 1900, MedGen C0268342, MONDO:0016002, OMIM 225400. Disease mechanism: loss of function.

Submission:

Labcorp Genetics (formerly Invitae), Labcorp
Classification: Pathogenic for Ehlers-Danlos syndrome, kyphoscoliotic type 1. Last evaluated: 2024-09-29. Review status: criteria provided, single submitter. Criteria: Invitae Variant Classification Sherloc (09022015). Collection method: clinical testing. Allele origin: germline.
Comment: This sequence change affects the initiator methionine of the PLOD1 mRNA. The next in-frame methionine is located at codon 223. This variant is not present in population databases (gnomAD no frequency). Disruption of the initiator codon has been observed in individual(s) with clinical features of Ehlers-Danlos syndrome (PMID: 34161861). In at least one individual the data is consistent with being in trans (on the opposite chromosome) from a pathogenic variant. This variant disrupts a region of the PLOD1 protein in which other variant(s) (p.Leu85Pro) have been determined to be pathogenic (PMID: 21699693). This suggests that this is a clinically significant region of the protein, and that variants that disrupt it are likely to be disease-causing. For these reasons, this variant has been classified as Pathogenic.

Literature cited by the submitters: PubMed 34161861; PubMed 21699693.